The following is an entry in ClinVar:

NM_001048174.2(MUTYH):c.1030T>A (p.Ser344Thr)

Gene: MUTYH (mutY DNA glycosylase; minus strand). Cytogenetic location: 1p34.1.
Variant type: single nucleotide variant.
Coding change: c.1030T>A on transcript NM_001048174.2 (MANE Select); coding-DNA position 1030, T replaced by A.
Protein change: p.Ser344Thr; replaces serine 344 with threonine.
Molecular consequence: missense variant. On other transcripts: non-coding transcript variant (7).
Genome position (GRCh38, 1-based): chr1:45,331,733, A>T on the plus strand (T>A on the coding strand, the complement: MUTYH is on the minus strand). VCF-style: chr1-45331733-A-T. GRCh37 (hg19) VCF-style: chr1-45797405-A-T.
Other names: c.1030T>A, p.Ser344Thr (NM_001048171.2, NM_001048173.2, NM_001293195.2 and 6 more transcripts); c.1033T>A, p.Ser345Thr (NM_001048172.2, NM_001407086.1, NM_001407071.1 and 1 more transcripts); c.1114T>A, p.Ser372Thr (NM_001128425.2); c.1075T>A, p.Ser359Thr (NM_001293190.2); c.1063T>A, p.Ser355Thr (NM_001293191.2, NM_001407069.1, NM_001407077.1); c.754T>A, p.Ser252Thr (NM_001293192.2, NM_001293196.2, NM_001407091.1); c.991T>A, p.Ser331Thr (NM_001407079.1); c.988T>A, p.Ser330Thr (NM_001407080.1); and 5 more; short protein forms S316T, S344T, S345T, S355T, S359T, S252T, S358T, S372T.
Identifiers: ClinVar variation 4113032 (VCV004113032.1).

ClinVar aggregate classification (germline): Uncertain significance (1 of 4 stars; one submission).

Conditions:
Hereditary cancer-predisposing syndrome. Also called: Tumor predisposition; Neoplastic Syndromes, Hereditary; Hereditary neoplastic syndrome; Hereditary Cancer Syndrome. Identifiers: Orphanet 140162, MedGen C0027672, MeSH D009386, MONDO:0015356.

Submission:

Ambry Genetics
Classification: Uncertain significance for Hereditary cancer-predisposing syndrome. Last evaluated: 2025-08-27. Review status: criteria provided, single submitter. Criteria: Ambry Variant Classification Scheme 2023. Collection method: clinical testing. Allele origin: germline.
Comment: The p.S372T variant (also known as c.1114T>A), located in coding exon 12 of the MUTYH gene, results from a T to A substitution at nucleotide position 1114. The serine at codon 372 is replaced by threonine, an amino acid with similar properties. This amino acid position is conserved. In addition, this alteration is predicted to be tolerated by in silico analysis. Based on the available evidence, the clinical significance of this variant remains unclear.